The following is an entry in ClinVar:

ClinVar aggregate classification (germline): Conflicting classifications of pathogenicity. Review status: criteria provided, conflicting classifications (1 of 4 stars). 4 submissions from 4 submitters: Uncertain significance (1); Likely benign (2). 1 of the submissions does not count toward it. Last evaluated 2025-12-10.

Conditions:
COG7-related disorder. Also called: COG7-related condition.
COG7 congenital disorder of glycosylation (CDG2E). Also called: CDG IIe; CONGENITAL DISORDER OF GLYCOSYLATION, TYPE IIe. Identifiers: Orphanet 79333, MedGen C2931010, MONDO:0012118, OMIM 608779.

Allele frequency attached by ClinVar (database versions not stated): ESP Exome Variant Server 0.00008; gnomAD 0.00014 and 0.00020; TOPMed 0.00017; ExAC 0.00039; gnomAD exomes 0.00043; 1000 Genomes Project 30x 0.00078; 1000 Genomes Project 0.00100.
gnomAD v4.1: 444 of 1,613,918 alleles (0.028%); highest among the groups gnomAD compares: East Asian, 0.77%; no homozygotes.

Submissions (4):

Labcorp Genetics (formerly Invitae), Labcorp
Classification: Likely benign for COG7 congenital disorder of glycosylation. Last evaluated: 2025-12-10. Review status: criteria provided, single submitter. Criteria: Invitae Variant Classification Sherloc (09022015). Collection method: clinical testing. Allele origin: germline.

Blueprint Genetics
Classification: Likely benign. Last evaluated: 2024-11-01. Review status: criteria provided, single submitter. Criteria: ACMG Guidelines, 2015. Collection method: clinical testing. Allele origin: germline.

Illumina Laboratory Services, Illumina
Classification: Uncertain significance for COG7 congenital disorder of glycosylation. Last evaluated: 2018-01-13. Review status: criteria provided, single submitter. Criteria: ICSL Variant Classification Criteria 13 December 2019. Collection method: clinical testing. Allele origin: germline.

PreventionGenetics, part of Exact Sciences
Classification: Likely benign for COG7-related condition. Last evaluated: 2022-04-21. Review status: no assertion criteria provided. Collection method: clinical testing. Allele origin: germline. Not counted in ClinVar's aggregate classification.
Comment: This variant is classified as likely benign based on ACMG/AMP sequence variant interpretation guidelines (Richards et al. 2015 PMID: 25741868, with internal and published modifications).

NM_153603.4(COG7):c.1972G>A (p.Ala658Thr)

Gene: COG7 (component of oligomeric golgi complex 7; minus strand). Cytogenetic location: 16p12.2.
Variant type: single nucleotide variant.
Coding change: c.1972G>A on transcript NM_153603.4 (MANE Select); coding-DNA position 1972, G replaced by A.
Protein change: p.Ala658Thr; replaces alanine 658 with threonine.
Molecular consequence: missense variant.
Genome position (GRCh38, 1-based): chr16:23,393,263, C>T on the plus strand (G>A on the coding strand, the complement: COG7 is on the minus strand). VCF-style: chr16-23393263-C-T. GRCh37 (hg19) VCF-style: chr16-23404584-C-T.
Other names: short protein forms A658T.
Identifiers: ClinVar variation 772628 (VCV000772628.14), dbSNP rs115073082, ClinGen allele CA7960824.
Genomic context (GRCh38, chr16:23,393,263, plus strand): 5'-GTAACATCGCCAGAAACGGTCCCCGCTTACCCTGCTCAGGAGGAAATGGCAGCTTTCCAG[C>T]GTGCAATGCCAACTCTAAGGCAGAGTCCTCCTGAGTCACAAATGGCTCAAGATTCAGGGG-3'
Protein context (NP_705831.1, residues 648-668): EDSALELALH[Ala658Thr]GKLPFPPEQG